The following is an entry in ClinVar:

ClinVar aggregate classification (germline): Benign. Review status: criteria provided, multiple submitters, no conflicts (2 of 4 stars). 2 submissions from 2 submitters: Benign (2). Last evaluated 2018-01-13.

Conditions:
Hennekam lymphangiectasia-lymphedema syndrome 1 (HKLLS1). Also called: LYMPHATIC DYSPLASIA, GENERALIZED. Identifiers: Orphanet 2136, MedGen C4012050, MONDO:0009337, OMIM 235510.

Allele frequency attached by ClinVar (database versions not stated): 1000 Genomes Project 30x 0.84931; TOPMed 0.82108; 1000 Genomes Project 0.85124.

Submissions (2):

Illumina Laboratory Services, Illumina
Classification: Benign for Hennekam lymphangiectasia-lymphedema syndrome 1. Last evaluated: 2018-01-13. Review status: criteria provided, single submitter. Criteria: ICSL Variant Classification Criteria 13 December 2019. Collection method: clinical testing. Allele origin: germline.
Comment: This variant was observed in the ICSL laboratory as part of a predisposition screen in an ostensibly healthy population. It had not been previously curated by ICSL or reported in the Human Gene Mutation Database (HGMD: prior to June 1st, 2018), and was therefore a candidate for classification through an automated scoring system. Utilizing variant allele frequency, disease prevalence and penetrance estimates, and inheritance mode, an automated score was calculated to assess if this variant is too frequent to cause the disease. Based on the score and internal cut-off values, a variant classified as benign is not then subjected to further curation. The score for this variant resulted in a classification of benign for this disease.

Breakthrough Genomics
Classification: Benign. Review status: criteria provided, single submitter. Criteria: ACMG Guidelines, 2015. Collection method: not provided. Allele origin: germline. Inheritance: Autosomal recessive inheritance. Affected: yes.

NM_133459.4(CCBE1):c.*2227G>A

Gene: CCBE1 (collagen and calcium binding EGF domains 1; minus strand). Cytogenetic location: 18q21.32.
Variant type: single nucleotide variant.
Coding change: c.*2227G>A on transcript NM_133459.4 (MANE Select); 2227 bases downstream of the stop codon, G replaced by A.
Molecular consequence: 3 prime UTR variant.
Genome position (GRCh38, 1-based): chr18:59,433,681, C>T on the plus strand (G>A on the coding strand, the complement: CCBE1 is on the minus strand). VCF-style: chr18-59433681-C-T. GRCh37 (hg19) VCF-style: chr18-57100913-C-T.
Other names: c.*2227G>A (LRG_1209t1).
Identifiers: ClinVar variation 327646 (VCV000327646.6), dbSNP rs9959855, ClinGen allele CA10641972.